The following is an entry in ClinVar:

ClinVar aggregate classification (germline): Uncertain significance (1 of 4 stars; one submission).

gnomAD v4.1: 18 of 1,613,566 alleles (0.0011%); highest among the groups gnomAD compares: Admixed American, 0.0083%; no homozygotes.

Submission:

Labcorp Genetics (formerly Invitae), Labcorp
Classification: Uncertain significance. Last evaluated: 2025-10-02. Review status: criteria provided, single submitter. Criteria: Invitae Variant Classification Sherloc (09022015). Collection method: clinical testing. Allele origin: germline.
Comment: This sequence change replaces alanine, which is neutral and non-polar, with threonine, which is neutral and polar, at codon 256 of the PIGU protein (p.Ala256Thr). This variant is present in population databases (rs528424644, gnomAD 0.006%). This variant has not been reported in the literature in individuals affected with PIGU-related conditions. ClinVar contains an entry for this variant (Variation ID: 1926490). Invitae Evidence Modeling of protein sequence and biophysical properties (such as structural, functional, and spatial information, amino acid conservation, physicochemical variation, residue mobility, and thermodynamic stability) indicates that this missense variant is not expected to disrupt PIGU protein function with a negative predictive value of 80%. In summary, the available evidence is currently insufficient to determine the role of this variant in disease. Therefore, it has been classified as a Variant of Uncertain Significance.

NM_080476.5(PIGU):c.766G>A (p.Ala256Thr)

Gene: PIGU (phosphatidylinositol glycan anchor biosynthesis class U; minus strand). Cytogenetic location: 20q11.22.
Variant type: single nucleotide variant.
Coding change: c.766G>A on transcript NM_080476.5 (MANE Select); coding-DNA position 766, G replaced by A.
Protein change: p.Ala256Thr; replaces alanine 256 with threonine.
Molecular consequence: missense variant.
Genome position (GRCh38, 1-based): chr20:34,588,469, C>T on the plus strand (G>A on the coding strand, the complement: PIGU is on the minus strand). VCF-style: chr20-34588469-C-T. GRCh37 (hg19) VCF-style: chr20-33176273-C-T.
Other names: short protein forms A256T.
Identifiers: ClinVar variation 1926490 (VCV001926490.5), dbSNP rs528424644, ClinGen allele CA9822580.